The following is an entry in ClinVar:

NM_000748.3(CHRNB2):c.65-2del

Gene: CHRNB2 (cholinergic receptor nicotinic beta 2 subunit; plus strand). Cytogenetic location: 1q21.3.
Variant type: Deletion.
Coding change: c.65-2del on transcript NM_000748.3 (MANE Select); the canonical splice acceptor site of the intron before coding-DNA position 65, one base deleted (A; older notation c.65-2delA).
Molecular consequence: splice acceptor variant.
Genome position (GRCh38, 1-based): chr1:154,569,460, A deleted. VCF-style (leftmost placement, unchanged base first): chr1-154569459-CA-C. GRCh37 (hg19) VCF-style: chr1-154541935-CA-C.
Identifiers: ClinVar variation 941995 (VCV000941995.11), dbSNP rs1696121118, ClinGen allele CA1139656331.
Genomic context (GRCh38, chr1:154,569,459, plus strand): 5'-GGGTGGGATGCTGGGTGGGCTCTCCTTGCCTGCTTACTTTCGTCCTGCCTTTCCCCTGCC[CA>C]GGGGTGTGGGGTACGGATACAGAGGAGCGGCTGGTGGAGCATCTCCTGGATCCTTCCCGC-3'

ClinVar aggregate classification (germline): Uncertain significance. Review status: criteria provided, multiple submitters, no conflicts (2 of 4 stars). 2 submissions from 2 submitters: Uncertain significance (2). Last evaluated 2024-10-08.

Conditions:
Familial sleep-related hypermotor epilepsy. Also called: Autosomal Dominant Sleep-Related Hypermotor (Hyperkinetic) Epilepsy. Identifiers: Orphanet 98784, MedGen C3696898, MONDO:0000030.

Allele frequency attached by ClinVar (database versions not stated): gnomAD exomes below 0.00001.

Submissions (2):

GeneDx
Classification: Uncertain significance. Last evaluated: 2024-10-08. Review status: criteria provided, single submitter. Criteria: GeneDx Variant Classification Process June 2021. Collection method: clinical testing. Allele origin: germline. Affected: yes.
Comment: Not observed at significant frequency in large population cohorts (gnomAD); Has not been previously published as pathogenic or benign to our knowledge; Canonical splice site variant in a gene for which loss-of-function is not a known mechanism of disease

Labcorp Genetics (formerly Invitae), Labcorp
Classification: Uncertain significance. Last evaluated: 2022-09-13. Review status: criteria provided, single submitter. Criteria: Invitae Variant Classification Sherloc (09022015). Collection method: clinical testing. Allele origin: germline.
Comment: This sequence change affects a splice site in intron 1 of the CHRNB2 gene. It is expected to disrupt RNA splicing. Variants that disrupt the donor or acceptor splice site typically lead to a loss of protein function (PMID: 16199547), however the current clinical and genetic evidence is not sufficient to establish whether loss-of-function variants in CHRNB2 cause disease. This variant is not present in population databases (gnomAD no frequency). This variant has not been reported in the literature in individuals affected with CHRNB2-related conditions. ClinVar contains an entry for this variant (Variation ID: 941995). Algorithms developed to predict the effect of sequence changes on RNA splicing suggest that this variant may disrupt the consensus splice site. In summary, the available evidence is currently insufficient to determine the role of this variant in disease. Therefore, it has been classified as a Variant of Uncertain Significance.

Literature cited by the submitters: PubMed 16199547 (cited by Labcorp Genetics (formerly Invitae), Labcorp).